The following is an entry in ClinVar:

NM_001006658.3(CR2):c.1508G>A (p.Gly503Glu)

Gene: CR2 (complement C3d receptor 2; plus strand). Cytogenetic location: 1q32.2.
Variant type: single nucleotide variant.
Coding change: c.1508G>A on transcript NM_001006658.3 (MANE Select); coding-DNA position 1508, G replaced by A.
Protein change: p.Gly503Glu; replaces glycine 503 with glutamic acid.
Molecular consequence: missense variant.
Genome position (GRCh38, 1-based): chr1:207,471,437, G>A. VCF-style: chr1-207471437-G-A. GRCh37 (hg19) VCF-style: chr1-207644782-G-A.
Other names: c.1508G>A, p.Gly503Glu (NM_001877.5); short protein forms G503E.
Identifiers: ClinVar variation 641350 (VCV000641350.6), dbSNP rs756203331, ClinGen allele CA1368744.
Genomic context (GRCh38, chr1:207,471,437, plus strand): 5'-TAATGGTCACCTGATGGCAAAATGACATACGTGACTCTGTCTCTAGGTACAAGTTAAGTG[G>A]GAGTGTTTATCAGGAGTGTCAAGGCACAATTCCTTGGTTTATGGAGATTCGTCTTTGTAA-3'
Protein context (NP_001006659.1, residues 493-513): SSCGEGYKLS[Gly503Glu]SVYQECQGTI

ClinVar aggregate classification (germline): Uncertain significance (1 of 4 stars; one submission).

Conditions:
Immunodeficiency, common variable, 7. Identifiers: Orphanet 1572, Orphanet 696894, MedGen C3542922, MONDO:0013862, OMIM 614699.

Allele frequency attached by ClinVar (database versions not stated): gnomAD exomes 0.00001 and below 0.00001; TOPMed 0.00001; gnomAD 0.00002; ExAC 0.00001.
gnomAD v4.1: 8 of 1,612,520 alleles (0.0005%); highest among the groups gnomAD compares: Non-Finnish European, 0.00068%; no homozygotes.

Submission:

Labcorp Genetics (formerly Invitae), Labcorp
Classification: Uncertain significance for Immunodeficiency, common variable, 7. Last evaluated: 2022-04-17. Review status: criteria provided, single submitter. Criteria: Invitae Variant Classification Sherloc (09022015). Collection method: clinical testing. Allele origin: germline.
Comment: This sequence change replaces glycine, which is neutral and non-polar, with glutamic acid, which is acidic and polar, at codon 503 of the CR2 protein (p.Gly503Glu). This variant is present in population databases (rs756203331, gnomAD 0.002%). This variant has not been reported in the literature in individuals affected with CR2-related conditions. ClinVar contains an entry for this variant (Variation ID: 641350). Algorithms developed to predict the effect of missense changes on protein structure and function output the following: SIFT: "Tolerated"; PolyPhen-2: "Benign"; Align-GVGD: "Class C0". The glutamic acid amino acid residue is found in multiple mammalian species, which suggests that this missense change does not adversely affect protein function. In summary, the available evidence is currently insufficient to determine the role of this variant in disease. Therefore, it has been classified as a Variant of Uncertain Significance.